The following is an entry in ClinVar:

ClinVar aggregate classification (germline): Uncertain significance. Review status: criteria provided, multiple submitters, no conflicts (2 of 4 stars). 3 submissions from 3 submitters: Uncertain significance (3). Last evaluated 2025-08-23.

Conditions:
Inborn genetic diseases. Identifiers: MedGen C0950123, MeSH D030342.

Allele frequency attached by ClinVar (database versions not stated): gnomAD 0.00002; TOPMed 0.00002; ExAC 0.00003; gnomAD exomes 0.00004.
gnomAD v4.1: 63 of 1,613,602 alleles (0.0039%); highest among the groups gnomAD compares: Non-Finnish European, 0.0051%; no homozygotes.

Submissions (3):

Ambry Genetics
Classification: Uncertain significance for Inborn genetic diseases. Last evaluated: 2025-08-23. Review status: criteria provided, single submitter. Criteria: Ambry Variant Classification Scheme 2023. Collection method: clinical testing. Allele origin: germline.

Labcorp Genetics (formerly Invitae), Labcorp
Classification: Uncertain significance. Last evaluated: 2025-06-02. Review status: criteria provided, single submitter. Criteria: Invitae Variant Classification Sherloc (09022015). Collection method: clinical testing. Allele origin: germline.
Comment: This sequence change replaces arginine, which is basic and polar, with glutamine, which is neutral and polar, at codon 61 of the ACO2 protein (p.Arg61Gln). This variant is present in population databases (rs771060439, gnomAD 0.003%). This variant has not been reported in the literature in individuals affected with ACO2-related conditions. ClinVar contains an entry for this variant (Variation ID: 2417846). Invitae Evidence Modeling of protein sequence and biophysical properties (such as structural, functional, and spatial information, amino acid conservation, physicochemical variation, residue mobility, and thermodynamic stability) indicates that this missense variant is expected to disrupt ACO2 protein function with a positive predictive value of 95%. In summary, the available evidence is currently insufficient to determine the role of this variant in disease. Therefore, it has been classified as a Variant of Uncertain Significance.

Blueprint Genetics
Classification: Uncertain significance. Last evaluated: 2024-10-10. Review status: criteria provided, single submitter. Criteria: ACMG Guidelines, 2015. Collection method: clinical testing. Allele origin: germline.

NM_001098.3(ACO2):c.182G>A (p.Arg61Gln)

Gene: ACO2 (aconitase 2; plus strand). Cytogenetic location: 22q13.2.
Variant type: single nucleotide variant.
Coding change: c.182G>A on transcript NM_001098.3 (MANE Select); coding-DNA position 182, G replaced by A.
Protein change: p.Arg61Gln; replaces arginine 61 with glutamine.
Molecular consequence: missense variant.
Genome position (GRCh38, 1-based): chr22:41,507,799, G>A. VCF-style: chr22-41507799-G-A. GRCh37 (hg19) VCF-style: chr22-41903803-G-A.
Other names: c.182G>A (NM_001098.2); short protein forms R61Q.
Identifiers: ClinVar variation 2417846 (VCV002417846.8), dbSNP rs771060439, ClinGen allele CA10257309.